The following is an entry in ClinVar:

NM_025099.6(CTC1):c.412A>G (p.Asn138Asp)

Gene: CTC1 (CST telomere replication complex component 1; minus strand). Cytogenetic location: 17p13.1.
Variant type: single nucleotide variant.
Coding change: c.412A>G on transcript NM_025099.6 (MANE Select); coding-DNA position 412, A replaced by G.
Protein change: p.Asn138Asp; replaces asparagine 138 with aspartic acid.
Molecular consequence: missense variant. On other transcripts: non-coding transcript variant (1).
Genome position (GRCh38, 1-based): chr17:8,238,415, T>C on the plus strand (A>G on the coding strand, the complement: CTC1 is on the minus strand). VCF-style: chr17-8238415-T-C. GRCh37 (hg19) VCF-style: chr17-8141733-T-C.
Other names: c.412A>G, p.Asn138Asp (NM_001411067.1); short protein forms N138D.
Identifiers: ClinVar variation 2883820 (VCV002883820.3), dbSNP rs2507949906, ClinGen allele CA397993060.

ClinVar aggregate classification (germline): Uncertain significance (1 of 4 stars; one submission).

Conditions:
Dyskeratosis congenita. Identifiers: Orphanet 1775, MedGen C0265965, MONDO:0015780.

Submission:

Labcorp Genetics (formerly Invitae), Labcorp
Classification: Uncertain significance for Dyskeratosis congenita. Last evaluated: 2022-12-14. Review status: criteria provided, single submitter. Criteria: Invitae Variant Classification Sherloc (09022015). Collection method: clinical testing. Allele origin: germline.
Comment: In summary, the available evidence is currently insufficient to determine the role of this variant in disease. Therefore, it has been classified as a Variant of Uncertain Significance. Advanced modeling of protein sequence and biophysical properties (such as structural, functional, and spatial information, amino acid conservation, physicochemical variation, residue mobility, and thermodynamic stability) performed at Invitae indicates that this missense variant is not expected to disrupt CTC1 protein function. This variant has not been reported in the literature in individuals affected with CTC1-related conditions. This variant is not present in population databases (gnomAD no frequency). This sequence change replaces asparagine, which is neutral and polar, with aspartic acid, which is acidic and polar, at codon 138 of the CTC1 protein (p.Asn138Asp).